The following is an entry in ClinVar:

NM_001354604.2(MITF):c.814C>T (p.Pro272Ser)

Gene: MITF (melanocyte inducing transcription factor; plus strand). Cytogenetic location: 3p13.
Variant type: single nucleotide variant.
Coding change: c.814C>T on transcript NM_001354604.2 (MANE Select); coding-DNA position 814, C replaced by T.
Protein change: p.Pro272Ser; replaces proline 272 with serine.
Molecular consequence: missense variant.
Genome position (GRCh38, 1-based): chr3:69,949,102, C>T. VCF-style: chr3-69949102-C-T. GRCh37 (hg19) VCF-style: chr3-69998253-C-T.
Other names: c.493C>T, p.Pro165Ser (NM_000248.4, NM_198158.3); c.658C>T, p.Pro220Ser (NM_001184967.2, NM_001354608.2); c.811C>T, p.Pro271Ser (NM_001354605.2, NM_001354606.2, NM_006722.3); c.763C>T, p.Pro255Ser (NM_001354607.2); c.814C>T, p.Pro272Ser (NM_198159.3); c.766C>T, p.Pro256Ser (NM_198177.3); c.325C>T, p.Pro109Ser (NM_198178.3); short protein forms P255S, P256S, P165S, P271S, P272S, P220S, P109S.
Identifiers: ClinVar variation 4783036 (VCV004783036.1).

ClinVar aggregate classification (germline): Uncertain significance (1 of 4 stars; one submission).

Conditions:
Tietz syndrome (TADS). Also called: ALBINISM-DEAFNESS OF TIETZ; HYPOPIGMENTATION/DEAFNESS OF TIETZ; TIETZ ALBINISM-DEAFNESS SYNDROME. Identifiers: Orphanet 42665, MedGen C0391816, MONDO:0007077, OMIM 103500.
Waardenburg syndrome type 2A (WS2A). Also called: WAARDENBURG SYNDROME WITHOUT DYSTOPIA CANTHORUM. Identifiers: Orphanet 3440, MedGen C1860339, MONDO:0008671, OMIM 193510.
Melanoma, cutaneous malignant, susceptibility to, 8. Also called: MELANOMA AND RENAL CELL CARCINOMA, SUSCEPTIBILITY TO; Cutaneous malignant melanoma 8. Identifiers: Orphanet 293822, MedGen C3152204, MONDO:0013759, OMIM 614456.

Submission:

Labcorp Genetics (formerly Invitae), Labcorp
Classification: Uncertain significance for Melanoma, cutaneous malignant, susceptibility to, 8; Waardenburg syndrome type 2A; Tietz syndrome. Last evaluated: 2025-05-15. Review status: criteria provided, single submitter. Criteria: Invitae Variant Classification Sherloc (09022015). Collection method: clinical testing. Allele origin: germline.
Comment: This sequence change replaces proline, which is neutral and non-polar, with serine, which is neutral and polar, at codon 165 of the MITF protein (p.Pro165Ser). This variant is not present in population databases (gnomAD no frequency). This variant has not been reported in the literature in individuals affected with MITF-related conditions. Invitae Evidence Modeling of protein sequence and biophysical properties (such as structural, functional, and spatial information, amino acid conservation, physicochemical variation, residue mobility, and thermodynamic stability) indicates that this missense variant is not expected to disrupt MITF protein function with a negative predictive value of 80%. In summary, the available evidence is currently insufficient to determine the role of this variant in disease. Therefore, it has been classified as a Variant of Uncertain Significance.